The following is an entry in ClinVar:

ClinVar aggregate classification (germline): Uncertain significance (1 of 4 stars; one submission).

Conditions:
Neuronal ceroid lipofuscinosis 7 (CLN7). Also called: MFSD8-Related Neuronal Ceroid-Lipofuscinosis. Identifiers: Orphanet 168491, Orphanet 228366, MedGen C1838571, MONDO:0012588, OMIM 610951.

gnomAD v4.1: 1 of 1,614,204 alleles (0.000062%); no homozygotes.

Submission:

Labcorp Genetics (formerly Invitae), Labcorp
Classification: Uncertain significance for Neuronal ceroid lipofuscinosis 7. Last evaluated: 2023-11-27. Review status: criteria provided, single submitter. Criteria: Invitae Variant Classification Sherloc (09022015). Collection method: clinical testing. Allele origin: germline.
Comment: This sequence change replaces leucine, which is neutral and non-polar, with serine, which is neutral and polar, at codon 369 of the MFSD8 protein (p.Leu369Ser). This variant is not present in population databases (gnomAD no frequency). This variant has not been reported in the literature in individuals affected with MFSD8-related conditions. ClinVar contains an entry for this variant (Variation ID: 1501292). Advanced modeling of protein sequence and biophysical properties (such as structural, functional, and spatial information, amino acid conservation, physicochemical variation, residue mobility, and thermodynamic stability) has been performed at Invitae for this missense variant, however the output from this modeling did not meet the statistical confidence thresholds required to predict the impact of this variant on MFSD8 protein function. In summary, the available evidence is currently insufficient to determine the role of this variant in disease. Therefore, it has been classified as a Variant of Uncertain Significance.

NM_001371596.2(MFSD8):c.1106T>C (p.Leu369Ser)

Gene: MFSD8 (major facilitator superfamily domain containing 8; minus strand). Cytogenetic location: 4q28.2.
Variant type: single nucleotide variant.
Coding change: c.1106T>C on transcript NM_001371596.2 (MANE Select); coding-DNA position 1106, T replaced by C.
Protein change: p.Leu369Ser; replaces leucine 369 with serine.
Molecular consequence: missense variant. On other transcripts: synonymous variant (1).
Genome position (GRCh38, 1-based): chr4:127,921,768, A>G on the plus strand (T>C on the coding strand, the complement: MFSD8 is on the minus strand). VCF-style: chr4-127921768-A-G. GRCh37 (hg19) VCF-style: chr4-128842923-A-G.
Other names: c.905T>C, p.Leu302Ser (NM_001363520.3); c.791T>C, p.Leu264Ser (NM_001363521.3); c.971T>C, p.Leu324Ser (NM_001371590.2); c.1106T>C, p.Leu369Ser (NM_001371591.2, NM_152778.4); c.1112T>C, p.Leu371Ser (NM_001371592.2); c.992T>C, p.Leu331Ser (NM_001371593.2); c.959T>C, p.Leu320Ser (NM_001371594.2); c.824T>C, p.Leu275Ser (NM_001371595.1); and 2 more; short protein forms L324S, L320S, L371S, L302S, L369S, L264S, L275S, L331S.
Identifiers: ClinVar variation 1501292 (VCV001501292.7), dbSNP rs2148840460, ClinGen allele CA358171536.